The following is an entry in ClinVar:

NM_139159.5(DPP9):c.1415G>A (p.Arg472His)

Genes: DPP9 (dipeptidyl peptidase 9; minus strand), LOC126862840 (P300/CBP strongly-dependent group 1 enhancer GRCh37_chr19:4694063-4695262; plus strand). Cytogenetic location: 19p13.3.
Variant type: single nucleotide variant.
Coding change: c.1415G>A on transcript NM_139159.5 (MANE Select); coding-DNA position 1415, G replaced by A.
Protein change: p.Arg472His; replaces arginine 472 with histidine.
Molecular consequence: missense variant. On other transcripts: 3 prime UTR variant (3), non-coding transcript variant (11).
Genome position (GRCh38, 1-based): chr19:4,694,762, C>T on the plus strand (G>A on the coding strand, the complement: DPP9 is on the minus strand). VCF-style: chr19-4694762-C-T. GRCh37 (hg19) VCF-style: chr19-4694774-C-T.
Other names: c.1415G>A, p.Arg472His (NM_001365987.2, NM_001384611.1, NM_001384612.1 and 12 more transcripts); c.1382G>A, p.Arg461His (NM_001384619.1); c.1328G>A, p.Arg443His (NM_001384623.1, NM_001384624.1, NM_001384625.1 and 4 more transcripts); c.1381G>A, p.Ala461Thr (NM_001384634.1); c.1175G>A, p.Arg392His (NM_001384635.1, NM_001384631.1); c.*61G>A (NM_001384636.1, NM_001384637.1, NM_001384638.1); short protein forms A461T, R392H, R443H, R461H, R472H.
Identifiers: ClinVar variation 5041298 (VCV005041298.1).
Genomic context (GRCh38, chr19:4,694,762, plus strand): 5'-GATTTTAAAACGGCGGTGACTTTGTACAAATGGCAGAAGCCGGTCTTGCATTCATTGGCG[C>T]GGAGAAAGCAGAGCTCGTCCTCTCCCTCTGATTGGGGGAAGGGATAGAAGATGTCATGAA-3'
Protein context (NP_631898.3, residues 462-482): SEGEDELCFL[Arg472His]ANECKTGFCH

ClinVar aggregate classification (germline): Uncertain significance (1 of 4 stars; one submission).

gnomAD v4.1: 23 of 1,613,852 alleles (0.0014%); highest among the groups gnomAD compares: East Asian, 0.029%; no homozygotes.

Submission:

CeGaT Center for Human Genetics Tuebingen
Classification: Uncertain significance. Last evaluated: 2026-09-01. Review status: criteria provided, single submitter. Criteria: CeGaT Center For Human Genetics Tuebingen Variant Classification Criteria Version 2. Collection method: clinical testing. Allele origin: germline. Affected: yes. Observed: 1 variant allele.
Comment: DPP9: PM2, BP4